The following is an entry in ClinVar:

NM_001042492.3(NF1):c.3716T>G (p.Leu1239Arg)

Gene: NF1 (neurofibromin 1; plus strand). Cytogenetic location: 17q11.2.
Variant type: single nucleotide variant.
Coding change: c.3716T>G on transcript NM_001042492.3 (MANE Select); coding-DNA position 3716, T replaced by G.
Protein change: p.Leu1239Arg; replaces leucine 1239 with arginine.
Molecular consequence: missense variant.
Genome position (GRCh38, 1-based): chr17:31,235,618, T>G. VCF-style: chr17-31235618-T-G. GRCh37 (hg19) VCF-style: chr17-29562636-T-G.
Other names: c.3716T>G, p.Leu1239Arg (NM_000267.4); short protein forms L1239R.
Identifiers: ClinVar variation 652134 (VCV000652134.9), dbSNP rs1597722390, ClinGen allele CA398992300.

ClinVar aggregate classification (germline): Conflicting classifications of pathogenicity. Review status: criteria provided, conflicting classifications (1 of 4 stars). 3 submissions from 3 submitters: Likely pathogenic (2); Uncertain significance (1). Last evaluated 2024-08-28.

Conditions:
NF1-related disorder. Also called: NF1-related condition. Identifiers: MedGen CN379171.
Cardiovascular phenotype. Identifiers: MedGen CN230736.
Hereditary cancer-predisposing syndrome. Also called: Hereditary Cancer Syndrome; Tumor predisposition; Neoplastic Syndromes, Hereditary; Hereditary neoplastic syndrome. Identifiers: Orphanet 140162, MedGen C0027672, MeSH D009386, MONDO:0015356.
Neurofibromatosis, type 1 (NF1). Also called: VON RECKLINGHAUSEN DISEASE; Neurofibromatosis, type I; NEUROFIBROMATOSIS, TYPE I, SOMATIC; Peripheral type neurofibromatosis. Identifiers: Orphanet 636, MedGen C0027831, MONDO:0018975, OMIM 162200. Disease mechanism: loss of function.

Submissions (3):

Ambry Genetics
Classification: Uncertain significance for Cardiovascular phenotype; Hereditary cancer-predisposing syndrome. Last evaluated: 2024-08-28. Review status: criteria provided, single submitter. Criteria: Ambry Variant Classification Scheme 2023. Collection method: clinical testing. Allele origin: germline.
Comment: The p.L1239R variant (also known as c.3716T>G), located in coding exon 28 of the NF1 gene, results from a T to G substitution at nucleotide position 3716. The leucine at codon 1239 is replaced by arginine, an amino acid with dissimilar properties. This amino acid position is conserved. In addition, this alteration is predicted to be deleterious by in silico analysis. Based on the available evidence, the clinical significance of this variant remains unclear.

Greenwood Genetic Center Diagnostic Laboratories, Greenwood Genetic Center
Classification: Likely pathogenic for NF1-related disorder. Last evaluated: 2024-04-01. Review status: criteria provided, single submitter. Criteria: ACMG Guidelines, 2015. Collection method: clinical testing. Allele origin: germline. Affected: yes.
Comment: PS2, PM2, PP2, PP3

Labcorp Genetics (formerly Invitae), Labcorp
Classification: Likely pathogenic for Neurofibromatosis, type 1. Last evaluated: 2021-12-11. Review status: criteria provided, single submitter. Criteria: Invitae Variant Classification Sherloc (09022015). Collection method: clinical testing. Allele origin: germline.
Comment: ClinVar contains an entry for this variant (Variation ID: 652134). This sequence change replaces leucine, which is neutral and non-polar, with arginine, which is basic and polar, at codon 1239 of the NF1 protein (p.Leu1239Arg). This variant is not present in population databases (gnomAD no frequency). This missense change has been observed in individual(s) with clinical features of neurofibromatosis (Invitae). Advanced modeling of protein sequence and biophysical properties (such as structural, functional, and spatial information, amino acid conservation, physicochemical variation, residue mobility, and thermodynamic stability) performed at Invitae indicates that this missense variant is expected to disrupt NF1 protein function. In summary, the currently available evidence indicates that the variant is pathogenic, but additional data are needed to prove that conclusively. Therefore, this variant has been classified as Likely Pathogenic.